The following is an entry in ClinVar:

ClinVar aggregate classification (germline): Uncertain significance (1 of 4 stars; one submission).

Conditions:
Intellectual developmental disorder, autosomal dominant 44, with microcephaly. Also called: TRIO-Related Intellectual Disability; Micrognathia-recurrent infections-behavioral abnormalities-mild intellectual disability syndrome. Identifiers: Orphanet 476126, MedGen C4310740, MONDO:0014892, OMIM 617061.

Submission:

MVZ Medizinische Genetik Mainz
Classification: Uncertain significance for Intellectual developmental disorder, autosomal dominant 44, with microcephaly. Last evaluated: 2022-05-13. Review status: criteria provided, single submitter. Criteria: UK Practice Guidelines For Variant Classification V4 01 2020. Collection method: clinical testing. Allele origin: germline. Inheritance: Autosomal dominant inheritance. Affected: yes. Observed: 1 variant allele.
Comment: ACMG Criteria: PM2_SUP,PP3

NM_007118.4(TRIO):c.1500G>A (p.Glu500=)

Gene: TRIO (trio Rho guanine nucleotide exchange factor; plus strand). Cytogenetic location: 5p15.2.
Variant type: single nucleotide variant.
Coding change: c.1500G>A on transcript NM_007118.4 (MANE Select); coding-DNA position 1500, G replaced by A.
Protein change: p.Glu500=; no amino-acid change (glutamic acid 500 retained).
Molecular consequence: synonymous variant. On other transcripts: non-coding transcript variant (1).
Genome position (GRCh38, 1-based): chr5:14,304,592, G>A. VCF-style: chr5-14304592-G-A. GRCh37 (hg19) VCF-style: chr5-14304701-G-A.
Identifiers: ClinVar variation 3066108 (VCV003066108.1), dbSNP rs2532223157, ClinGen allele CA443274059.